The following is an entry in ClinVar:

NM_017950.4(CCDC40):c.1562+2018C>T

Gene: CCDC40 (coiled-coil domain 40 molecular ruler complex subunit; plus strand). Cytogenetic location: 17q25.3.
Variant type: single nucleotide variant.
Coding change: c.1562+2018C>T on transcript NM_017950.4 (MANE Select); 2018 bases into the intron after coding-DNA position 1562, C replaced by T.
Molecular consequence: intron variant. On other transcripts: missense variant (1).
Genome position (GRCh38, 1-based): chr17:80,067,624, C>T. VCF-style: chr17-80067624-C-T. GRCh37 (hg19) VCF-style: chr17-78041423-C-T.
Other names: c.1682C>T (NM_001330508.1); c.1682C>T, p.Ala561Val (NM_001330508.2); c.1562+2018C>T (NM_001243342.2); short protein forms A561V.
Identifiers: ClinVar variation 1049537 (VCV001049537.4), dbSNP rs562415439, ClinGen allele CA8813944.

ClinVar aggregate classification (germline): Conflicting classifications of pathogenicity. Review status: criteria provided, conflicting classifications (1 of 4 stars). 4 submissions from 4 submitters: Uncertain significance (1); Likely benign (1). 2 of the submissions do not count toward it. Last evaluated 2023-12-14.

Conditions:
CCDC40-related disorder. Also called: CCDC40-related condition.
Primary ciliary dyskinesia 15. Also called: CILIARY DYSKINESIA, PRIMARY, 15, WITH OR WITHOUT SITUS INVERSUS. Identifiers: Orphanet 244, MedGen C3151137, MONDO:0013435, OMIM 613808.

Allele frequency attached by ClinVar (database versions not stated): gnomAD exomes 0.00013 and 0.00021; ExAC 0.00014; 1000 Genomes Project 0.00020; 1000 Genomes Project 30x 0.00031; gnomAD 0.00084 and 0.00092; TOPMed 0.00097.
gnomAD v4.1: 320 of 1,536,224 alleles (0.021%); highest among the groups gnomAD compares: African/African-American, 0.27%; 1 homozygote.

Submissions (4):

Blueprint Genetics
Classification: Likely benign. Last evaluated: 2023-12-14. Review status: criteria provided, single submitter. Criteria: ACMG Guidelines, 2015. Collection method: clinical testing. Allele origin: germline.

Fulgent Genetics
Classification: Uncertain significance for Primary ciliary dyskinesia 15. Last evaluated: 2022-04-13. Review status: criteria provided, single submitter. Criteria: ACMG Guidelines, 2015. Collection method: clinical testing. Allele origin: unknown.

PreventionGenetics, part of Exact Sciences
Classification: Likely benign for CCDC40-related condition. Last evaluated: 2024-07-26. Review status: no assertion criteria provided. Collection method: clinical testing. Allele origin: germline. Not counted in ClinVar's aggregate classification.
Comment: This variant is classified as likely benign based on ACMG/AMP sequence variant interpretation guidelines (Richards et al. 2015 PMID: 25741868, with internal and published modifications).

Department of Pathology and Laboratory Medicine, Sinai Health System
Classification: Uncertain significance. Review status: no assertion criteria provided. Collection method: clinical testing. Allele origin: unknown. Affected: yes. Study: The Canadian Open Genetics Repository (COGR). Not counted in ClinVar's aggregate classification.
Comment: The CCDC40 p.A561V variant was not identified in the literature nor was it identified in ClinVar. The variant was identified in dbSNP (ID: rs562415439) and in control databases in 48 of 168778 chromosomes at a frequency of 0.0002844, and was observed at the highest frequency in the African population in 35 of 15176 chromosomes (freq: 0.002306) (Genome Aggregation Database March 6, 2019, v2.1.1). The p.A561 residue is not conserved in mammals and computational analyses (MUT Assesor, PolyPhen-2, SIFT, MutationTaster, Revel, FATHMM, MetaLR, DANN) do not suggest a high likelihood of impact to the protein; this information is not very predictive of pathogenicity. The variant occurs outside of the splicing consensus sequence and in silico or computational prediction software programs (Splice AI exome) are inconclusive. In summary, based on the above information the clinical significance of this variant cannot be determined with certainty at this time. This variant is classified as a variant of uncertain significance.